The following is an entry in ClinVar:

NM_001113378.2(FANCI):c.3772G>T (p.Glu1258Ter)

Gene: FANCI (FA complementation group I; plus strand). Cytogenetic location: 15q26.1.
Variant type: single nucleotide variant.
Coding change: c.3772G>T on transcript NM_001113378.2 (MANE Select); coding-DNA position 3772, G replaced by T.
Protein change: p.Glu1258Ter; replaces glutamic acid 1258 with a stop codon.
Molecular consequence: nonsense.
Genome position (GRCh38, 1-based): chr15:89,314,663, G>T. VCF-style: chr15-89314663-G-T. GRCh37 (hg19) VCF-style: chr15-89857894-G-T.
Other names: c.3493G>T, p.Glu1165Ter (NM_001376910.1); c.3772G>T, p.Glu1258Ter (NM_001376911.1); c.3592G>T, p.Glu1198Ter (NM_018193.3); short protein forms E1165*, E1198*, E1258*.
Identifiers: ClinVar variation 3607444 (VCV003607444.2).

ClinVar aggregate classification (germline): Pathogenic (1 of 4 stars; one submission).

Conditions:
Fanconi anemia (FA). Also called: Fanconi's anemia. Identifiers: Orphanet 84, MedGen C0015625, MeSH D005199, MONDO:0019391.

gnomAD v4.1: 1 of 1,614,080 alleles (0.000062%); highest among the groups gnomAD compares: South Asian, 0.0011%; no homozygotes.

Submission:

Labcorp Genetics (formerly Invitae), Labcorp
Classification: Pathogenic for Fanconi anemia. Last evaluated: 2024-03-06. Review status: criteria provided, single submitter. Criteria: Invitae Variant Classification Sherloc (09022015). Collection method: clinical testing. Allele origin: germline.
Comment: This sequence change creates a premature translational stop signal (p.Glu1258*) in the FANCI gene. It is expected to result in an absent or disrupted protein product. Loss-of-function variants in FANCI are known to be pathogenic (PMID: 17452773, 17460694). This variant is not present in population databases (gnomAD no frequency). This variant has not been reported in the literature in individuals affected with FANCI-related conditions. For these reasons, this variant has been classified as Pathogenic.

Literature cited by the submitters: PubMed 17452773; PubMed 17460694.